The following is an entry in ClinVar:

ClinVar aggregate classification (germline): Likely benign (1 of 4 stars; one submission).

Submission:

GeneDx
Classification: Likely benign. Last evaluated: 2017-12-26. Review status: criteria provided, single submitter. Criteria: GeneDx Variant Classification (06012015). Collection method: clinical testing. Allele origin: germline. Affected: yes.
Comment: This variant is considered likely benign or benign based on one or more of the following criteria: it is a conservative change, it occurs at a poorly conserved position in the protein, it is predicted to be benign by multiple in silico algorithms, and/or has population frequency not consistent with disease.

NM_017849.4(TMEM127):c.409+20A>G

Gene: TMEM127 (transmembrane protein 127; minus strand). Cytogenetic location: 2q11.2.
Variant type: single nucleotide variant.
Coding change: c.409+20A>G on transcript NM_017849.4 (MANE Select); 20 bases into the intron after coding-DNA position 409, A replaced by G.
Molecular consequence: intron variant.
Genome position (GRCh38, 1-based): chr2:96,254,813, T>C on the plus strand (A>G on the coding strand, the complement: TMEM127 is on the minus strand). VCF-style: chr2-96254813-T-C. GRCh37 (hg19) VCF-style: chr2-96920551-T-C.
Other names: c.409+20A>G (NM_001193304.3).
Identifiers: ClinVar variation 514375 (VCV000514375.1), dbSNP rs1553436966, ClinGen allele CA658795830.